The following is an entry in ClinVar:

ClinVar aggregate classification (germline): Uncertain significance (1 of 4 stars; one submission).

Conditions:
Intellectual disability, CASK-related, X-linked. Identifiers: MedGen CN043158.

Submission:

Labcorp Genetics (formerly Invitae), Labcorp
Classification: Uncertain significance for Intellectual disability, CASK-related, X-linked. Last evaluated: 2017-08-27. Review status: criteria provided, single submitter. Criteria: Invitae Variant Classification Sherloc (09022015). Collection method: clinical testing. Allele origin: germline.
Comment: In summary, the available evidence is currently insufficient to determine the role of this variant in disease. Therefore, it has been classified as a Variant of Uncertain Significance. Algorithms developed to predict the effect of missense changes on protein structure and function do not agree on the potential impact of this missense change (SIFT: "Deleterious"; PolyPhen-2: "Benign"; Align-GVGD: "Class C0"). This variant has not been reported in the literature in individuals with CASK-related disease. This variant is not present in population databases (ExAC no frequency). This sequence change replaces serine with asparagine at codon 64 of the CASK protein (p.Ser64Asn). The serine residue is moderately conserved and there is a small physicochemical difference between serine and asparagine.

NM_001367721.1(CASK):c.191G>A (p.Ser64Asn)

Gene: CASK (calcium/calmodulin dependent serine protein kinase; minus strand). Cytogenetic location: Xp11.4.
Variant type: single nucleotide variant.
Coding change: c.191G>A on transcript NM_001367721.1 (MANE Select); coding-DNA position 191, G replaced by A.
Protein change: p.Ser64Asn; replaces serine 64 with asparagine.
Molecular consequence: missense variant.
Genome position (GRCh38, 1-based): chrX:41,787,265, C>T on the plus strand (G>A on the coding strand, the complement: CASK is on the minus strand). VCF-style: chrX-41787265-C-T. GRCh37 (hg19) VCF-style: chrX-41646518-C-T.
Other names: c.191G>A, p.Ser64Asn (NM_001126054.3, NM_001126055.3, NM_001410745.1 and 1 more transcripts); short protein forms S64N.
Identifiers: ClinVar variation 537747 (VCV000537747.8), dbSNP rs1556121425, ClinGen allele CA413002718.